The following is an entry in ClinVar:

ClinVar aggregate classification (germline): Uncertain significance. Review status: criteria provided, multiple submitters, no conflicts (2 of 4 stars). 2 submissions from 2 submitters: Uncertain significance (2). Last evaluated 2024-12-11.

Conditions:
Emery-Dreifuss muscular dystrophy 4, autosomal dominant (EDMD4). Also called: EMERY-DREIFUSS MUSCULAR DYSTROPHY 4 WITH VARIABLE FEATURES. Identifiers: Orphanet 261, MedGen C2751807, MONDO:0013071, OMIM 612998.
Autosomal recessive ataxia, Beauce type. Also called: SYNE1-Related Autosomal Recessive Cerebellar Ataxia; Spinocerebellar ataxia, autosomal recessive 8; ATAXIA, RECESSIVE, OF BEAUCE; SYNE1 Deficiency. Identifiers: Orphanet 88644, MedGen C1853116, MONDO:0012549, OMIM 610743.

Allele frequency attached by ClinVar (database versions not stated): gnomAD exomes below 0.00001.
gnomAD v4.1: 2 of 1,613,824 alleles (0.00012%); highest among the groups gnomAD compares: African/African-American, 0.0013%; no homozygotes.

Submissions (2):

Revvity Omics, Revvity
Classification: Uncertain significance. Last evaluated: 2024-12-11. Review status: criteria provided, single submitter. Criteria: ACMG Guidelines, 2015. Collection method: clinical testing. Allele origin: germline.

Labcorp Genetics (formerly Invitae), Labcorp
Classification: Uncertain significance for Emery-Dreifuss muscular dystrophy 4, autosomal dominant; Autosomal recessive ataxia, Beauce type. Last evaluated: 2024-02-24. Review status: criteria provided, single submitter. Criteria: Invitae Variant Classification Sherloc (09022015). Collection method: clinical testing. Allele origin: germline.
Comment: This sequence change replaces phenylalanine, which is neutral and non-polar, with isoleucine, which is neutral and non-polar, at codon 6291 of the SYNE1 protein (p.Phe6291Ile). This variant is not present in population databases (gnomAD no frequency). This variant has not been reported in the literature in individuals affected with SYNE1-related conditions. ClinVar contains an entry for this variant (Variation ID: 1402396). An algorithm developed to predict the effect of missense changes on protein structure and function (PolyPhen-2) suggests that this variant is likely to be tolerated. In summary, the available evidence is currently insufficient to determine the role of this variant in disease. Therefore, it has been classified as a Variant of Uncertain Significance.

NM_182961.4(SYNE1):c.19084T>A (p.Phe6362Ile)

Gene: SYNE1 (spectrin repeat containing nuclear envelope protein 1; minus strand). Cytogenetic location: 6q25.2.
Variant type: single nucleotide variant.
Coding change: c.19084T>A on transcript NM_182961.4 (MANE Select); coding-DNA position 19084, T replaced by A.
Protein change: p.Phe6362Ile; replaces phenylalanine 6362 with isoleucine.
Molecular consequence: missense variant.
Genome position (GRCh38, 1-based): chr6:152,256,654, A>T on the plus strand (T>A on the coding strand, the complement: SYNE1 is on the minus strand). VCF-style: chr6-152256654-A-T. GRCh37 (hg19) VCF-style: chr6-152577789-A-T.
Other names: c.18871T>A, p.Phe6291Ile (NM_033071.5); c.18871T>A (NM_033071.3); short protein forms F6362I, F6291I.
Identifiers: ClinVar variation 1402396 (VCV001402396.7), dbSNP rs2090937224, ClinGen allele CA366138564.